The following is an entry in ClinVar:

ClinVar aggregate classification (germline): Conflicting classifications of pathogenicity. Review status: criteria provided, conflicting classifications (1 of 4 stars). 3 submissions from 3 submitters: Uncertain significance (2); Likely benign (1). Last evaluated 2025-04-01.

Conditions:
Inborn genetic diseases. Identifiers: MedGen C0950123, MeSH D030342.

Allele frequency attached by ClinVar (database versions not stated): ExAC 0.00001; TOPMed 0.00002; gnomAD exomes 0.00003; gnomAD 0.00005; 1000 Genomes Project 30x 0.00016; 1000 Genomes Project 0.00020.
gnomAD v4.1: 51 of 1,614,160 alleles (0.0032%); highest among the groups gnomAD compares: Non-Finnish European, 0.0042%; no homozygotes.

Submissions (3):

Ambry Genetics
Classification: Uncertain significance for Inborn genetic diseases. Last evaluated: 2025-04-01. Review status: criteria provided, single submitter. Criteria: Ambry Variant Classification Scheme 2023. Collection method: clinical testing. Allele origin: germline.

Labcorp Genetics (formerly Invitae), Labcorp
Classification: Uncertain significance. Last evaluated: 2023-08-16. Review status: criteria provided, single submitter. Criteria: Invitae Variant Classification Sherloc (09022015). Collection method: clinical testing. Allele origin: germline.
Comment: In summary, the available evidence is currently insufficient to determine the role of this variant in disease. Therefore, it has been classified as a Variant of Uncertain Significance. Advanced modeling of protein sequence and biophysical properties (such as structural, functional, and spatial information, amino acid conservation, physicochemical variation, residue mobility, and thermodynamic stability) performed at Invitae indicates that this missense variant is not expected to disrupt LRP6 protein function. This variant has not been reported in the literature in individuals affected with LRP6-related conditions. This variant is present in population databases (rs186416519, gnomAD 0.006%). This sequence change replaces lysine, which is basic and polar, with asparagine, which is neutral and polar, at codon 1316 of the LRP6 protein (p.Lys1316Asn).

Blueprint Genetics
Classification: Likely benign. Last evaluated: 2021-02-11. Review status: criteria provided, single submitter. Criteria: ACMG Guidelines, 2015. Collection method: clinical testing. Allele origin: germline.

NM_002336.3(LRP6):c.3948A>T (p.Lys1316Asn)

Gene: LRP6 (LDL receptor related protein 6; minus strand). Cytogenetic location: 12p13.2.
Variant type: single nucleotide variant.
Coding change: c.3948A>T on transcript NM_002336.3 (MANE Select); coding-DNA position 3948, A replaced by T.
Protein change: p.Lys1316Asn; replaces lysine 1316 with asparagine.
Molecular consequence: missense variant. On other transcripts: non-coding transcript variant (1), intron variant (1).
Genome position (GRCh38, 1-based): chr12:12,131,843, T>A on the plus strand (A>T on the coding strand, the complement: LRP6 is on the minus strand). VCF-style: chr12-12131843-T-A. GRCh37 (hg19) VCF-style: chr12-12284777-T-A.
Other names: c.3948A>T (NM_002336.2); c.4041A>T, p.Lys1347Asn (NM_001414244.1); c.3948A>T, p.Lys1316Asn (NM_001414245.1, NM_001414248.1, NM_001414249.1 and 1 more transcripts); c.3813A>T, p.Lys1271Asn (NM_001414246.1); c.3750A>T, p.Lys1250Asn (NM_001414247.1); c.3495A>T, p.Lys1165Asn (NM_001414252.1, NM_001414253.1, NM_001414254.1); c.3441A>T, p.Lys1147Asn (NM_001414255.1); c.3608-950A>T (NM_001414251.1); short protein forms K1347N, K1250N, K1147N, K1271N, K1316N, K1165N.
Identifiers: ClinVar variation 2694957 (VCV002694957.5), dbSNP rs186416519, ClinGen allele CA6455087.